The following is an entry in ClinVar:

NM_198060.4(NRAP):c.619del (p.Val207fs)

Gene: NRAP (nebulin related anchoring protein; minus strand). Cytogenetic location: 10q25.3.
Variant type: Deletion.
Coding change: c.619del on transcript NM_198060.4 (MANE Select); coding-DNA position 619, one base deleted (G; older notation c.619delG).
Protein change: p.Val207fs; shifts the reading frame from valine 207.
Molecular consequence: frameshift variant.
Genome position (GRCh38, 1-based): chr10:113,651,859, C deleted on the plus strand (G on the coding strand, the reverse complement: NRAP is on the minus strand); the first of 2 consecutive C bases (chr10:113,651,859-113,651,860); deleting either gives the same sequence. VCF-style (leftmost placement, unchanged base first): chr10-113651858-AC-A. GRCh37 (hg19) VCF-style: chr10-115411617-AC-A.
Other names: c.619del, p.Val207fs (NM_001261463.2, NM_001322945.2, NM_006175.5); short protein forms V207fs.
Identifiers: ClinVar variation 3346392 (VCV003346392.1).

ClinVar aggregate classification (germline): Likely pathogenic (0 of 4 stars; one submission).

Conditions:
NRAP-related disorder. Also called: NRAP-related condition.

Submission:

PreventionGenetics, part of Exact Sciences
Classification: Likely pathogenic for NRAP-related condition. Last evaluated: 2024-08-14. Review status: no assertion criteria provided. Collection method: clinical testing. Allele origin: germline.
Comment: The NRAP c.619delG variant is predicted to result in a frameshift and premature protein termination (p.Val207Trpfs*20). This variant has been reported in the homozygous state in an individual with dilated cardiomyopathy (Mio et al. 2024. PubMed ID: 38837338). This variant has not been reported in a large population database, indicating this variant is rare. Frameshift variants in NRAP are expected to be pathogenic. This variant is interpreted as likely pathogenic.